The following is an entry in ClinVar:

NM_005861.4(STUB1):c.446G>T (p.Ser149Ile)

Gene: STUB1 (STIP1 homology and U-box containing protein 1; plus strand). Cytogenetic location: 16p13.3.
Variant type: single nucleotide variant.
Coding change: c.446G>T on transcript NM_005861.4 (MANE Select); coding-DNA position 446, G replaced by T.
Protein change: p.Ser149Ile; replaces serine 149 with isoleucine.
Molecular consequence: missense variant.
Genome position (GRCh38, 1-based): chr16:681,525, G>T. VCF-style: chr16-681525-G-T. GRCh37 (hg19) VCF-style: chr16-731525-G-T.
Other names: c.230G>T, p.Ser77Ile (NM_001293197.2); short protein forms S149I, S77I.
Identifiers: ClinVar variation 3778185 (VCV003778185.7).

ClinVar aggregate classification (germline): Uncertain significance (1 of 4 stars; one submission).

gnomAD v4.1: 10 of 1,612,282 alleles (0.00062%); highest among the groups gnomAD compares: Non-Finnish European, 0.00076%; no homozygotes.

Submission:

CeGaT Center for Human Genetics Tuebingen
Classification: Uncertain significance. Last evaluated: 2025-03-01. Review status: criteria provided, single submitter. Criteria: CeGaT Center For Human Genetics Tuebingen Variant Classification Criteria Version 2. Collection method: clinical testing. Allele origin: germline. Affected: yes. Observed: 2 variant alleles.
Comment: STUB1: PM2